The following is an entry in ClinVar:

NM_001005242.3(PKP2):c.2251G>A (p.Ala751Thr)

Gene: PKP2 (plakophilin 2; minus strand). Cytogenetic location: 12p11.21.
Variant type: single nucleotide variant.
Coding change: c.2251G>A on transcript NM_001005242.3 (MANE Select); coding-DNA position 2251, G replaced by A.
Protein change: p.Ala751Thr; replaces alanine 751 with threonine.
Molecular consequence: missense variant.
Genome position (GRCh38, 1-based): chr12:32,796,215, C>T on the plus strand (G>A on the coding strand, the complement: PKP2 is on the minus strand). VCF-style: chr12-32796215-C-T. GRCh37 (hg19) VCF-style: chr12-32949149-C-T.
Other names: c.2086G>A, p.Ala696Thr (NM_001407156.1); c.1924G>A, p.Ala642Thr (NM_001407158.1, NM_001407159.1); c.2383G>A, p.Ala795Thr (NM_004572.4); short protein forms A642T, A795T, A696T, A751T.
Identifiers: ClinVar variation 2148053 (VCV002148053.4), dbSNP rs2541190222, ClinGen allele CA384357809.

ClinVar aggregate classification (germline): Uncertain significance (1 of 4 stars; one submission).

Conditions:
Arrhythmogenic right ventricular dysplasia 9 (ARVD9). Also called: Arrhythmogenic Right Ventricular Dysplasia/Cardiomyopathy 9; ARRHYTHMOGENIC RIGHT VENTRICULAR DYSPLASIA, FAMILIAL, 9. Identifiers: MedGen C1836906, MONDO:0012180, OMIM 609040.

Submission:

Labcorp Genetics (formerly Invitae), Labcorp
Classification: Uncertain significance for Arrhythmogenic right ventricular dysplasia 9. Last evaluated: 2022-01-21. Review status: criteria provided, single submitter. Criteria: Invitae Variant Classification Sherloc (09022015). Collection method: clinical testing. Allele origin: germline.
Comment: In summary, the available evidence is currently insufficient to determine the role of this variant in disease. Therefore, it has been classified as a Variant of Uncertain Significance. Algorithms developed to predict the effect of missense changes on protein structure and function (SIFT, PolyPhen-2, Align-GVGD) all suggest that this variant is likely to be tolerated. This variant has not been reported in the literature in individuals affected with PKP2-related conditions. This variant is not present in population databases (gnomAD no frequency). This sequence change replaces alanine, which is neutral and non-polar, with threonine, which is neutral and polar, at codon 795 of the PKP2 protein (p.Ala795Thr).